The following is an entry in ClinVar:

NM_001127178.3(PIGG):c.856A>C (p.Asn286His)

Gene: PIGG (phosphatidylinositol glycan anchor biosynthesis class G (EMM blood group); plus strand). Cytogenetic location: 4p16.3.
Variant type: single nucleotide variant.
Coding change: c.856A>C on transcript NM_001127178.3 (MANE Select); coding-DNA position 856, A replaced by C.
Protein change: p.Asn286His; replaces asparagine 286 with histidine.
Molecular consequence: missense variant. On other transcripts: 5 prime UTR variant (3), non-coding transcript variant (10), intron variant (1).
Genome position (GRCh38, 1-based): chr4:508,925, A>C. VCF-style: chr4-508925-A-C. GRCh37 (hg19) VCF-style: chr4-502714-A-C.
Other names: c.589A>C, p.Asn197His (NM_001289051.2, NM_001289053.2, NM_001289057.2 and 2 more transcripts); c.457A>C, p.Asn153His (NM_001289052.2); c.490A>C, p.Asn164His (NM_001289055.2); c.856A>C, p.Asn286His (NM_001345989.2, NM_017733.5); c.-770A>C (NM_001345990.2); c.-632A>C (NM_001345991.2); c.-357A>C (NM_001345994.2); c.-129+1332A>C (NM_001345988.2); short protein forms N153H, N164H, N286H, N197H.
Identifiers: ClinVar variation 1346894 (VCV001346894.8), dbSNP rs1553881570, ClinGen allele CA355900061.

ClinVar aggregate classification (germline): Uncertain significance (1 of 4 stars; one submission).

Conditions:
Intellectual disability, autosomal recessive 53 (NEDHSCA). Also called: GLYCOSYLPHOSPHATIDYLINOSITOL BIOSYNTHESIS DEFECT 13; Mental retardation, autosomal recessive 53; NEURODEVELOPMENTAL DISORDER WITH OR WITHOUT HYPOTONIA, SEIZURES, AND CEREBELLAR ATROPHY. Identifiers: Orphanet 488635, MedGen C4310794, MONDO:0014832, OMIM 616917.

Allele frequency attached by ClinVar (database versions not stated): gnomAD 0.00001.
gnomAD v4.1: 4 of 1,611,778 alleles (0.00025%); highest among the groups gnomAD compares: Non-Finnish European, 0.00034%; no homozygotes.

Submission:

Labcorp Genetics (formerly Invitae), Labcorp
Classification: Uncertain significance for Intellectual disability, autosomal recessive 53. Last evaluated: 2022-06-13. Review status: criteria provided, single submitter. Criteria: Invitae Variant Classification Sherloc (09022015). Collection method: clinical testing. Allele origin: germline.
Comment: This variant is present in population databases (no rsID available, gnomAD 0.007%). In summary, the available evidence is currently insufficient to determine the role of this variant in disease. Therefore, it has been classified as a Variant of Uncertain Significance. Algorithms developed to predict the effect of sequence changes on RNA splicing suggest that this variant may disrupt the consensus splice site. Algorithms developed to predict the effect of missense changes on protein structure and function (SIFT, PolyPhen-2, Align-GVGD) all suggest that this variant is likely to be tolerated. This variant has not been reported in the literature in individuals affected with PIGG-related conditions. This sequence change replaces asparagine, which is neutral and polar, with histidine, which is basic and polar, at codon 286 of the PIGG protein (p.Asn286His).